The following is an entry in ClinVar:

NM_001330078.2(NRXN1):c.2450G>A (p.Arg817His)

Gene: NRXN1 (neurexin 1; minus strand). Cytogenetic location: 2p16.3.
Variant type: single nucleotide variant.
Coding change: c.2450G>A on transcript NM_001330078.2 (MANE Select); coding-DNA position 2450, G replaced by A.
Protein change: p.Arg817His; replaces arginine 817 with histidine.
Molecular consequence: missense variant.
Genome position (GRCh38, 1-based): chr2:50,506,542, C>T on the plus strand (G>A on the coding strand, the complement: NRXN1 is on the minus strand). VCF-style: chr2-50506542-C-T. GRCh37 (hg19) VCF-style: chr2-50733680-C-T.
Other names: c.2570G>A, p.Arg857His (NM_001135659.3); c.2426G>A, p.Arg809His (NM_001330077.2, NM_001330082.2); c.2384G>A, p.Arg795His (NM_001330083.2, NM_001330084.2); c.2423G>A, p.Arg808His (NM_001330085.2); c.2450G>A, p.Arg817His (NM_001330086.2, NM_004801.6); c.2339G>A, p.Arg780His (NM_001330087.2, NM_001330096.2); c.2369G>A, p.Arg790His (NM_001330088.2); c.2447G>A, p.Arg816His (NM_001330093.2); and 2 more; short protein forms R800H, R816H, R790H, R795H, R809H, R780H, R808H, R813H.
Identifiers: ClinVar variation 859196 (VCV000859196.10), dbSNP rs201873057, ClinGen allele CA1654815.

ClinVar aggregate classification (germline): Uncertain significance. Review status: criteria provided, multiple submitters, no conflicts (2 of 4 stars). 2 submissions from 2 submitters: Uncertain significance (2). Last evaluated 2025-08-29.

Conditions:
Pitt-Hopkins-like syndrome 2 (PTHSL2). Identifiers: Orphanet 221150, Orphanet 600663, MedGen C3280479, MONDO:0013690, OMIM 614325.

Allele frequency attached by ClinVar (database versions not stated): gnomAD exomes below 0.00001; ExAC 0.00001; gnomAD 0.00002.
gnomAD v4.1: 11 of 1,612,998 alleles (0.00068%); highest among the groups gnomAD compares: Admixed American, 0.0033%; no homozygotes.

Submissions (2):

Labcorp Genetics (formerly Invitae), Labcorp
Classification: Uncertain significance for Pitt-Hopkins-like syndrome 2. Last evaluated: 2025-08-29. Review status: criteria provided, single submitter. Criteria: Invitae Variant Classification Sherloc (09022015). Collection method: clinical testing. Allele origin: germline.
Comment: This sequence change replaces arginine, which is basic and polar, with histidine, which is basic and polar, at codon 857 of the NRXN1 protein (p.Arg857His). This variant is present in population databases (rs201873057, gnomAD 0.01%). This variant has not been reported in the literature in individuals affected with NRXN1-related conditions. ClinVar contains an entry for this variant (Variation ID: 859196). An algorithm developed to predict the effect of missense changes on protein structure and function (PolyPhen-2) suggests that this variant is likely to be disruptive. In summary, the available evidence is currently insufficient to determine the role of this variant in disease. Therefore, it has been classified as a Variant of Uncertain Significance.

GeneDx
Classification: Uncertain significance. Last evaluated: 2024-01-08. Review status: criteria provided, single submitter. Criteria: GeneDx Variant Classification Process June 2021. Collection method: clinical testing. Allele origin: germline. Affected: yes.
Comment: In silico analysis supports that this missense variant has a deleterious effect on protein structure/function; Missense variant in a gene in which most reported pathogenic variants are truncating/loss of function; Has not been previously published as pathogenic or benign to our knowledge